The following is an entry in ClinVar:

NM_017654.4(SAMD9):c.604A>T (p.Asn202Tyr)

Gene: SAMD9 (sterile alpha motif domain containing 9; minus strand). Cytogenetic location: 7q21.2.
Variant type: single nucleotide variant.
Coding change: c.604A>T on transcript NM_017654.4 (MANE Select); coding-DNA position 604, A replaced by T.
Protein change: p.Asn202Tyr; replaces asparagine 202 with tyrosine.
Molecular consequence: missense variant.
Genome position (GRCh38, 1-based): chr7:93,105,494, T>A on the plus strand (A>T on the coding strand, the complement: SAMD9 is on the minus strand). VCF-style: chr7-93105494-T-A. GRCh37 (hg19) VCF-style: chr7-92734807-T-A.
Other names: c.604A>T, p.Asn202Tyr (NM_001193307.2); short protein forms N202Y.
Identifiers: ClinVar variation 3792144 (VCV003792144.1).
Genomic context (GRCh38, chr7:93,105,494, plus strand): 5'-ATCGGAAAACCTCATTGCTAAATTTCATCTTGACATCCTCTTCTGTGGCTGTTGCTGTAT[T>A]TGTGAAGGCTTTGAATTCATGTATCGGATCAATGAGATTGCCTGGTCCTGTTTCAGGCTG-3'
Protein context (NP_060124.2, residues 192-212): DPIHEFKAFT[Asn202Tyr]TATATEEDVK

ClinVar aggregate classification (germline): Uncertain significance (1 of 4 stars; one submission).

Conditions:
Inborn genetic diseases. Identifiers: MedGen C0950123, MeSH D030342.

Submission:

Ambry Genetics
Classification: Uncertain significance for Inborn genetic diseases. Last evaluated: 2025-03-02. Review status: criteria provided, single submitter. Criteria: Ambry Variant Classification Scheme 2023. Collection method: clinical testing. Allele origin: germline.
Comment: The p.N202Y variant (also known as c.604A>T), located in coding exon 1 of the SAMD9 gene, results from an A to T substitution at nucleotide position 604. The asparagine at codon 202 is replaced by tyrosine, an amino acid with dissimilar properties. This amino acid position is conserved. In addition, this alteration is predicted to be tolerated by in silico analysis. Based on the available evidence, the clinical significance of this variant remains unclear.